The following is an entry in ClinVar:

NM_001364171.2(ODAD1):c.1313G>A (p.Ser438Asn)

Gene: ODAD1 (outer dynein arm docking complex subunit 1; minus strand). Cytogenetic location: 19q13.33.
Variant type: single nucleotide variant.
Coding change: c.1313G>A on transcript NM_001364171.2 (MANE Select); coding-DNA position 1313, G replaced by A.
Protein change: p.Ser438Asn; replaces serine 438 with asparagine.
Molecular consequence: missense variant.
Genome position (GRCh38, 1-based): chr19:48,298,268, C>T on the plus strand (G>A on the coding strand, the complement: ODAD1 is on the minus strand). VCF-style: chr19-48298268-C-T. GRCh37 (hg19) VCF-style: chr19-48801525-C-T.
Other names: c.1202G>A, p.Ser401Asn (NM_144577.4); short protein forms S401N, S438N.
Identifiers: ClinVar variation 854308 (VCV000854308.9), dbSNP rs201757586, ClinGen allele CA9548742.

ClinVar aggregate classification (germline): Conflicting classifications of pathogenicity. Review status: criteria provided, conflicting classifications (1 of 4 stars). 3 submissions from 3 submitters: Uncertain significance (1); Likely benign (2). Last evaluated 2024-09-09.

Conditions:
Primary ciliary dyskinesia. Also called: Ciliary dyskinesia. Identifiers: Orphanet 244, MedGen C0008780, MONDO:0016575, HP:0012265.

Allele frequency attached by ClinVar (database versions not stated): gnomAD 0.00004 and 0.00005; gnomAD exomes 0.00004 and 0.00016; ExAC 0.00007; TOPMed 0.00009; 1000 Genomes Project 30x 0.00016; 1000 Genomes Project 0.00020.
gnomAD v4.1: 65 of 1,614,176 alleles (0.004%); highest among the groups gnomAD compares: Admixed American, 0.073%; no homozygotes.

Submissions (3):

Blueprint Genetics
Classification: Likely benign. Last evaluated: 2024-09-09. Review status: criteria provided, single submitter. Criteria: ACMG Guidelines, 2015. Collection method: clinical testing. Allele origin: germline.

Labcorp Genetics (formerly Invitae), Labcorp
Classification: Uncertain significance for Primary ciliary dyskinesia. Last evaluated: 2024-02-05. Review status: criteria provided, single submitter. Criteria: Invitae Variant Classification Sherloc (09022015). Collection method: clinical testing. Allele origin: germline.
Comment: This sequence change replaces serine, which is neutral and polar, with asparagine, which is neutral and polar, at codon 401 of the CCDC114 protein (p.Ser401Asn). This variant is present in population databases (rs201757586, gnomAD 0.1%). This variant has not been reported in the literature in individuals affected with CCDC114-related conditions. ClinVar contains an entry for this variant (Variation ID: 854308). An algorithm developed to predict the effect of missense changes on protein structure and function (PolyPhen-2) suggests that this variant¬†is likely to be tolerated. In summary, the available evidence is currently insufficient to determine the role of this variant in disease. Therefore, it has been classified as a Variant of Uncertain Significance.

Ambry Genetics
Classification: Likely benign for Primary ciliary dyskinesia. Last evaluated: 2022-02-14. Review status: criteria provided, single submitter. Criteria: Ambry Variant Classification Scheme 2023. Collection method: clinical testing. Allele origin: germline.